The following is an entry in ClinVar:

NM_003995.4(NPR2):c.1655_1656del (p.His552fs)

Gene: NPR2 (natriuretic peptide receptor 2; plus strand). Cytogenetic location: 9p13.3.
Variant type: Deletion.
Coding change: c.1655_1656del on transcript NM_003995.4 (MANE Select); coding-DNA positions 1655 to 1656, 2 bases deleted (AT; older notation c.1655_1656delAT).
Protein change: p.His552fs; shifts the reading frame from histidine 552.
Molecular consequence: frameshift variant.
Genome position (GRCh38, 1-based): chr9:35,802,228-35,802,229, AT deleted. VCF-style (leftmost placement, unchanged base first): chr9-35802227-CAT-C. GRCh37 (hg19) VCF-style: chr9-35802224-CAT-C.
Other names: c.1664_1665del, p.His555fs (NM_001378923.1); short protein forms H552fs, H555fs.
Identifiers: ClinVar variation 3359060 (VCV003359060.2).

ClinVar aggregate classification (germline): Likely pathogenic (1 of 4 stars; one submission).

Conditions:
Short stature with nonspecific skeletal abnormalities. Identifiers: MedGen C4225399, MONDO:0975810.

Submission:

Institute of Human Genetics, University of Leipzig Medical Center
Classification: Likely pathogenic for Short stature with nonspecific skeletal abnormalities 1. Last evaluated: 2024-06-25. Review status: criteria provided, single submitter. Criteria: ACMG Guidelines, 2015. Collection method: clinical testing. Allele origin: maternal. Inheritance: Autosomal dominant inheritance. Affected: yes.
Comment: Criteria applied: PVS1,PM2_SUP